The following is an entry in ClinVar:

ClinVar aggregate classification (germline): Pathogenic (1 of 4 stars; one submission).

gnomAD v4.1: 16 of 1,613,766 alleles (0.00099%); highest among the groups gnomAD compares: Non-Finnish European, 0.0014%; no homozygotes.

Submission:

Labcorp Genetics (formerly Invitae), Labcorp
Classification: Pathogenic. Last evaluated: 2025-06-22. Review status: criteria provided, single submitter. Criteria: Invitae Variant Classification Sherloc (09022015). Collection method: clinical testing. Allele origin: germline.
Comment: This sequence change creates a premature translational stop signal (p.Trp81*) in the PRDM5 gene. It is expected to result in an absent or disrupted protein product. Loss-of-function variants in PRDM5 are known to be pathogenic (PMID: 21664999, 26395458). This variant is present in population databases (no rsID available, gnomAD 0.0009%). This variant has not been reported in the literature in individuals affected with PRDM5-related conditions. For these reasons, this variant has been classified as Pathogenic.

Literature cited by the submitters: PubMed 21664999; PubMed 26395458.

NM_018699.4(PRDM5):c.243G>A (p.Trp81Ter)

Gene: PRDM5 (PR/SET domain 5; minus strand). Cytogenetic location: 4q27.
Variant type: single nucleotide variant.
Coding change: c.243G>A on transcript NM_018699.4 (MANE Select); coding-DNA position 243, G replaced by A.
Protein change: p.Trp81Ter; replaces tryptophan 81 with a stop codon.
Molecular consequence: nonsense.
Genome position (GRCh38, 1-based): chr4:120,853,475, C>T on the plus strand (G>A on the coding strand, the complement: PRDM5 is on the minus strand). VCF-style: chr4-120853475-C-T. GRCh37 (hg19) VCF-style: chr4-121774630-C-T.
Other names: c.243G>A, p.Trp81Ter (NM_001300823.2, NM_001300824.2, NM_001379104.1 and 1 more transcripts); short protein forms W81*.
Identifiers: ClinVar variation 4808512 (VCV004808512.1).